The following is an entry in ClinVar:

ClinVar aggregate classification (germline): Uncertain significance (1 of 4 stars; one submission).

Conditions:
Hereditary cancer-predisposing syndrome. Also called: Neoplastic Syndromes, Hereditary; Tumor predisposition; Hereditary neoplastic syndrome; Hereditary Cancer Syndrome. Identifiers: Orphanet 140162, MedGen C0027672, MeSH D009386, MONDO:0015356.

Submission:

Ambry Genetics
Classification: Uncertain significance for Hereditary cancer-predisposing syndrome. Last evaluated: 2026-07-13. Review status: criteria provided, single submitter. Criteria: Ambry Variant Classification Scheme 2023. Collection method: clinical testing. Allele origin: germline.
Comment: The p.H798Q variant (also known as c.2394T>A), located in coding exon 9 of the MET gene, results from a T to A substitution at nucleotide position 2394. The histidine at codon 798 is replaced by glutamine, an amino acid with highly similar properties. This amino acid position is conserved. In addition, this alteration is predicted to be tolerated by in silico analysis. Based on the available evidence, the clinical significance of this variant remains unclear.

NM_000245.4(MET):c.2340T>A (p.His780Gln)

Gene: MET (MET proto-oncogene, receptor tyrosine kinase; plus strand). Cytogenetic location: 7q31.2.
Variant type: single nucleotide variant.
Coding change: c.2340T>A on transcript NM_000245.4 (MANE Select); coding-DNA position 2340, T replaced by A.
Protein change: p.His780Gln; replaces histidine 780 with glutamine.
Molecular consequence: missense variant.
Genome position (GRCh38, 1-based): chr7:116,759,466, T>A. VCF-style: chr7-116759466-T-A. GRCh37 (hg19) VCF-style: chr7-116399520-T-A.
Other names: c.1050T>A, p.His350Gln (NM_001324402.2); c.2394T>A, p.His798Gln (NM_001127500.3); c.2340T>A, p.His780Gln (NM_001324401.3); short protein forms H350Q, H780Q, H798Q.
Identifiers: ClinVar variation 5024403 (VCV005024403.1).